The following is an entry in ClinVar:

ClinVar aggregate classification (germline): Uncertain significance (1 of 4 stars; one submission).

Submission:

Labcorp Genetics (formerly Invitae), Labcorp
Classification: Uncertain significance. Last evaluated: 2026-01-27. Review status: criteria provided, single submitter. Criteria: Invitae Variant Classification Sherloc (09022015). Collection method: clinical testing. Allele origin: germline.
Comment: This sequence change replaces methionine, which is neutral and non-polar, with threonine, which is neutral and polar, at codon 284 of the FAR1 protein (p.Met284Thr). This variant is not present in population databases (gnomAD no frequency). This variant has not been reported in the literature in individuals affected with FAR1-related conditions. ClinVar contains an entry for this variant (Variation ID: 2890784). Invitae Evidence Modeling of protein sequence and biophysical properties (such as structural, functional, and spatial information, amino acid conservation, physicochemical variation, residue mobility, and thermodynamic stability) indicates that this missense variant is not expected to disrupt FAR1 protein function with a negative predictive value of 80%. In summary, the available evidence is currently insufficient to determine the role of this variant in disease. Therefore, it has been classified as a Variant of Uncertain Significance.

NM_032228.6(FAR1):c.851T>C (p.Met284Thr)

Gene: FAR1 (fatty acyl-CoA reductase 1; plus strand). Cytogenetic location: 11p15.3.
Variant type: single nucleotide variant.
Coding change: c.851T>C on transcript NM_032228.6 (MANE Select); coding-DNA position 851, T replaced by C.
Protein change: p.Met284Thr; replaces methionine 284 with threonine.
Molecular consequence: missense variant.
Genome position (GRCh38, 1-based): chr11:13,712,010, T>C. VCF-style: chr11-13712010-T-C. GRCh37 (hg19) VCF-style: chr11-13733557-T-C.
Other names: short protein forms M284T.
Identifiers: ClinVar variation 2890784 (VCV002890784.3), dbSNP rs2500134990, ClinGen allele CA379857847.